The following is an entry in ClinVar:

NM_002470.4(MYH3):c.4574A>G (p.His1525Arg)

Gene: MYH3 (myosin heavy chain 3; minus strand). Cytogenetic location: 17p13.1.
Variant type: single nucleotide variant.
Coding change: c.4574A>G on transcript NM_002470.4 (MANE Select); coding-DNA position 4574, A replaced by G.
Protein change: p.His1525Arg; replaces histidine 1525 with arginine.
Molecular consequence: missense variant.
Genome position (GRCh38, 1-based): chr17:10,633,664, T>C on the plus strand (A>G on the coding strand, the complement: MYH3 is on the minus strand). VCF-style: chr17-10633664-T-C. GRCh37 (hg19) VCF-style: chr17-10536981-T-C.
Other names: short protein forms H1525R.
Identifiers: ClinVar variation 2069734 (VCV002069734.4), dbSNP rs557870001, ClinGen allele CA8392180.

ClinVar aggregate classification (germline): Uncertain significance (1 of 4 stars; one submission).

Allele frequency attached by ClinVar (database versions not stated): TOPMed 0.00007; 1000 Genomes Project 30x 0.00016; 1000 Genomes Project 0.00020; gnomAD exomes 0.00001; ExAC 0.00002; gnomAD 0.00011.
gnomAD v4.1: 27 of 1,614,054 alleles (0.0017%); highest among the groups gnomAD compares: African/African-American, 0.035%; no homozygotes.

Submission:

Labcorp Genetics (formerly Invitae), Labcorp
Classification: Uncertain significance. Last evaluated: 2024-10-16. Review status: criteria provided, single submitter. Criteria: Invitae Variant Classification Sherloc (09022015). Collection method: clinical testing. Allele origin: germline.
Comment: This sequence change replaces histidine, which is basic and polar, with arginine, which is basic and polar, at codon 1525 of the MYH3 protein (p.His1525Arg). This variant is present in population databases (rs557870001, gnomAD 0.02%). This variant has not been reported in the literature in individuals affected with MYH3-related conditions. ClinVar contains an entry for this variant (Variation ID: 2069734). Invitae Evidence Modeling of protein sequence and biophysical properties (such as structural, functional, and spatial information, amino acid conservation, physicochemical variation, residue mobility, and thermodynamic stability) indicates that this missense variant is not expected to disrupt MYH3 protein function with a negative predictive value of 95%. In summary, the available evidence is currently insufficient to determine the role of this variant in disease. Therefore, it has been classified as a Variant of Uncertain Significance.